The following is an entry in ClinVar:

ClinVar aggregate classification (germline): Uncertain significance. Review status: criteria provided, multiple submitters, no conflicts (2 of 4 stars). 5 submissions from 5 submitters: Uncertain significance (5). Last evaluated 2024-02-29.

Conditions:
Hereditary cancer-predisposing syndrome. Also called: Neoplastic Syndromes, Hereditary; Tumor predisposition; Hereditary neoplastic syndrome; Hereditary Cancer Syndrome. Identifiers: Orphanet 140162, MedGen C0027672, MeSH D009386, MONDO:0015356.
Hereditary nonpolyposis colorectal neoplasms. Identifiers: MedGen C0009405, MeSH D003123.
Lynch syndrome. Identifiers: Orphanet 144, MedGen C4552100, MONDO:0005835. Disease mechanism: loss of function.
Endometrial carcinoma. Also called: Endometrial carcinoma, somatic. Identifiers: MedGen C0476089, MONDO:0002447, OMIM 608089, HP:0012114.

Submissions (5):

Baylor Genetics
Classification: Uncertain significance for Endometrial carcinoma. Last evaluated: 2024-02-29. Review status: criteria provided, single submitter. Criteria: ACMG Guidelines, 2015. Collection method: clinical testing. Allele origin: unknown.

GeneDx
Classification: Uncertain significance. Last evaluated: 2024-01-03. Review status: criteria provided, single submitter. Criteria: GeneDx Variant Classification Process June 2021. Collection method: clinical testing. Allele origin: germline. Affected: yes.
Comment: Not observed at significant frequency in large population cohorts (gnomAD); In silico analysis supports that this missense variant does not alter protein structure/function; Has not been previously published as pathogenic or benign to our knowledge; This variant is associated with the following publications: (PMID: 17531815, 21120944)

All of Us Research Program, National Institutes of Health
Classification: Uncertain significance for Lynch syndrome. Last evaluated: 2023-11-20. Review status: criteria provided, single submitter. Criteria: ACMG Guidelines, 2015. Collection method: clinical testing. Allele origin: germline. Inheritance: Autosomal dominant inheritance. Observed: 1 variant allele, 1 heterozygote.
Comment: This missense variant replaces isoleucine with valine at codon 871 of the MSH6 protein. Computational prediction suggests that this variant may not impact protein structure and function (internally defined REVEL score threshold <= 0.5, PMID: 27666373). To our knowledge, functional studies have not been reported for this variant. This variant has not been reported in individuals affected with MSH6-related disorders in the literature. This variant has not been identified in the general population by the Genome Aggregation Database (gnomAD). The available evidence is insufficient to determine the role of this variant in disease conclusively. Therefore, this variant is classified as a Variant of Uncertain Significance.

This study involves interpretation of variants in research participants for the purpose of population health screening. Participant phenotype was not available at the time of variant classification. Additional details can be found in publication PMID: 35346344, PMCID: PMC8962531

Labcorp Genetics (formerly Invitae), Labcorp
Classification: Uncertain significance for Hereditary nonpolyposis colorectal neoplasms. Last evaluated: 2021-02-17. Review status: criteria provided, single submitter. Criteria: Invitae Variant Classification Sherloc (09022015). Collection method: clinical testing. Allele origin: germline.
Comment: In summary, the available evidence is currently insufficient to determine the role of this variant in disease. Therefore, it has been classified as a Variant of Uncertain Significance. Algorithms developed to predict the effect of missense changes on protein structure and function output the following: SIFT: "Tolerated"; PolyPhen-2: "Benign"; Align-GVGD: "Class C0". The valine amino acid residue is found in multiple mammalian species, suggesting that this missense change does not adversely affect protein function. These predictions have not been confirmed by published functional studies and their clinical significance is uncertain. This variant has not been reported in the literature in individuals with MSH6-related disease. This variant is not present in population databases (ExAC no frequency). This sequence change replaces isoleucine with valine at codon 871 of the MSH6 protein (p.Ile871Val). The isoleucine residue is moderately conserved and there is a small physicochemical difference between isoleucine and valine.

Ambry Genetics
Classification: Uncertain significance for Hereditary cancer-predisposing syndrome. Last evaluated: 2018-06-01. Review status: criteria provided, single submitter. Criteria: Ambry Variant Classification Scheme 2023. Collection method: clinical testing. Allele origin: germline.
Comment: The p.I871V variant (also known as c.2611A>G), located in coding exon 4 of the MSH6 gene, results from an A to G substitution at nucleotide position 2611. The isoleucine at codon 871 is replaced by valine, an amino acid with highly similar properties. This amino acid position is not well conserved in available vertebrate species and valine is the reference amino acid in other vertebrate species. In addition, this alteration is predicted to be tolerated by in silico analysis. In addition, the CoDP in silico tool predicts this alteration to have minor impact on molecular function, with a score of 0.030 (Terui H et al. J. Biomed. Sci. 2013 Apr;20:25). Since supporting evidence is limited at this time, the clinical significance of this alteration remains unclear.

NM_000179.3(MSH6):c.2611A>G (p.Ile871Val)

Gene: MSH6 (mutS homolog 6; plus strand). Cytogenetic location: 2p16.3.
Variant type: single nucleotide variant.
Coding change: c.2611A>G on transcript NM_000179.3 (MANE Select); coding-DNA position 2611, A replaced by G.
Protein change: p.Ile871Val; replaces isoleucine 871 with valine.
Molecular consequence: missense variant.
Genome position (GRCh38, 1-based): chr2:47,800,594, A>G. VCF-style: chr2-47800594-A-G. GRCh37 (hg19) VCF-style: chr2-48027733-A-G.
Other names: c.1705A>G, p.Ile569Val (NM_001281493.2, NM_001281494.2); c.2221A>G, p.Ile741Val (NM_001281492.2); short protein forms I741V, I569V, I871V.
Identifiers: ClinVar variation 661776 (VCV000661776.18), dbSNP rs1572727849, ClinGen allele CA346754987.